The following is an entry in ClinVar:

NM_017777.3(MKS1):c.-64T>C

Genes: MKS1 (MKS transition zone complex subunit 1; minus strand), LOC130061271 (ATAC-STARR-seq lymphoblastoid active region 12461; plus strand). Cytogenetic location: 17q22.
Variant type: single nucleotide variant.
Coding change: c.-64T>C on transcript NM_017777.3; 64 bases upstream of the start codon, T replaced by C.
Genome position (GRCh38, 1-based): chr17:58,219,294, A>G on the plus strand (T>C on the coding strand, the complement: MKS1 is on the minus strand). VCF-style: chr17-58219294-A-G. GRCh37 (hg19) VCF-style: chr17-56296655-A-G.
Identifiers: ClinVar variation 324172 (VCV000324172.10), dbSNP rs372127517, ClinGen allele CA10650558.

ClinVar aggregate classification (germline): Conflicting classifications of pathogenicity. Review status: criteria provided, conflicting classifications (1 of 4 stars). 3 submissions from 2 submitters: Uncertain significance (1); Likely benign (2). Last evaluated 2018-08-17.

Conditions:
Meckel syndrome, type 1 (MKS1). Also called: MECKEL-GRUBER SYNDROME, TYPE 1. Identifiers: Orphanet 564, MedGen C3714506, MONDO:0009571, OMIM 249000.
Bardet-Biedl syndrome 13 (BBS13). Identifiers: Orphanet 110, MedGen C2673873, MONDO:0014441, OMIM 615990.

Allele frequency attached by ClinVar (database versions not stated): 1000 Genomes Project 0.00300; 1000 Genomes Project 30x 0.00312; TOPMed 0.00401; gnomAD 0.00325.

Submissions (3):

GeneDx
Classification: Likely benign. Last evaluated: 2018-08-17. Review status: criteria provided, single submitter. Criteria: GeneDx Variant Classification Process June 2021. Collection method: clinical testing. Allele origin: germline. Affected: yes.

Illumina Laboratory Services, Illumina
Classification: Likely benign for Bardet-Biedl syndrome 13. Last evaluated: 2018-01-12. Review status: criteria provided, single submitter. Criteria: ICSL Variant Classification Criteria 13 December 2019. Collection method: clinical testing. Allele origin: germline.
Comment: This variant was observed in the ICSL laboratory as part of a predisposition screen in an ostensibly healthy population. It had not been previously curated by ICSL or reported in the Human Gene Mutation Database (HGMD: prior to June 1st, 2018), and was therefore a candidate for classification through an automated scoring system. Utilizing variant allele frequency, disease prevalence and penetrance estimates, and inheritance mode, an automated score was calculated to assess if this variant is too frequent to cause the disease. Based on the score and internal cut-off values, a variant classified as likely benign is not then subjected to further curation. The score for this variant resulted in a classification of likely benign for this disease.

Illumina Laboratory Services, Illumina
Classification: Uncertain significance for Meckel syndrome, type 1. Last evaluated: 2018-01-12. Review status: criteria provided, single submitter. Criteria: ICSL Variant Classification Criteria 13 December 2019. Collection method: clinical testing. Allele origin: germline.